The following is an entry in ClinVar:

ClinVar aggregate classification (germline): Uncertain significance (1 of 4 stars; one submission).

Submission:

Women's Health and Genetics/Laboratory Corporation of America, LabCorp
Classification: Uncertain significance. Last evaluated: 2024-10-01. Review status: criteria provided, single submitter. Criteria: LabCorp Variant Classification Summary - May 2015. Collection method: clinical testing. Allele origin: germline.
Comment: Variant summary: SETD2 c.1907T>C (p.Phe636Ser) results in a non-conservative amino acid change in the encoded protein sequence. Four of five in-silico tools predict a benign effect of the variant on protein function. The variant was absent in 246372 control chromosomes. The available data on variant occurrences in the general population are insufficient to allow any conclusion about variant significance. To our knowledge, no occurrence of c.1907T>C in individuals affected with Luscan-Lumish Syndrome and no experimental evidence demonstrating its impact on protein function have been reported. No submitters have cited clinical-significance assessments for this variant to ClinVar. Based on the evidence outlined above, the variant was classified as uncertain significance.

NM_014159.7(SETD2):c.1907T>C (p.Phe636Ser)

Gene: SETD2 (SET domain containing 2, histone lysine methyltransferase; minus strand). Cytogenetic location: 3p21.31.
Variant type: single nucleotide variant.
Coding change: c.1907T>C on transcript NM_014159.7 (MANE Select); coding-DNA position 1907, T replaced by C.
Protein change: p.Phe636Ser; replaces phenylalanine 636 with serine.
Molecular consequence: missense variant. On other transcripts: non-coding transcript variant (1).
Genome position (GRCh38, 1-based): chr3:47,122,729, A>G on the plus strand (T>C on the coding strand, the complement: SETD2 is on the minus strand). VCF-style: chr3-47122729-A-G. GRCh37 (hg19) VCF-style: chr3-47164219-A-G.
Other names: c.1775T>C, p.Phe592Ser (NM_001349370.3); short protein forms F592S, F636S.
Identifiers: ClinVar variation 3385025 (VCV003385025.1).